The following is an entry in ClinVar:

NM_001267550.2(TTN):c.13853A>G (p.Glu4618Gly)

Gene: TTN (titin; minus strand). Cytogenetic location: 2q31.2.
Variant type: single nucleotide variant.
Coding change: c.13853A>G on transcript NM_001267550.2 (MANE Select); coding-DNA position 13853, A replaced by G.
Protein change: p.Glu4618Gly; replaces glutamic acid 4618 with glycine.
Molecular consequence: missense variant. On other transcripts: intron variant (1).
Genome position (GRCh38, 1-based): chr2:178,739,380, T>C on the plus strand (A>G on the coding strand, the complement: TTN is on the minus strand). VCF-style: chr2-178739380-T-C. GRCh37 (hg19) VCF-style: chr2-179604107-T-C.
Other names: c.12902A>G, p.Glu4301Gly (NM_001256850.1); c.12764A>G, p.Glu4255Gly (NM_003319.4); c.13139A>G, p.Glu4380Gly (NM_133432.3); c.13340A>G, p.Glu4447Gly (NM_133437.4); c.10361-1020A>G (NM_133378.4); short protein forms E4255G, E4301G, E4380G, E4447G, E4618G.
Identifiers: ClinVar variation 2672847 (VCV002672847.24), dbSNP rs774836172, ClinGen allele CA60983395.
Genomic context (GRCh38, chr2:178,739,380, plus strand): 5'-TACCAATTCACCTCTTTAGCATTTGTTATGGATGTTGTGAGGTGTACAATATCACCTTCC[T>C]CAGAAACAGTGTCCACTAAAGGTGTATGTATCATGGGGCCATCCTCTTTGATTAAGCCAC-3'
Protein context (NP_001254479.2, residues 4608-4628): IHTPLVDTVS[Glu4618Gly]EGDIVHLTTS

ClinVar aggregate classification (germline): Conflicting classifications of pathogenicity. Review status: criteria provided, conflicting classifications (1 of 4 stars). 2 submissions from 2 submitters: Uncertain significance (1); Likely benign (1). Last evaluated 2026-03-20.

Conditions:
TTN-related disorder. Also called: TTN-related condition; TTN-related disease; TTN-related disorders.

Allele frequency attached by ClinVar (database versions not stated): gnomAD 0.00001; gnomAD exomes 0.00002; TOPMed 0.00002.
gnomAD v4.1: 27 of 1,613,778 alleles (0.0017%); highest among the groups gnomAD compares: Non-Finnish European, 0.0021%; no homozygotes.

Submissions (2):

PreventionGenetics, part of Exact Sciences
Classification: Uncertain significance for TTN-related condition. Last evaluated: 2026-03-20. Review status: criteria provided, single submitter. Criteria: ACMG Guidelines, 2015. Collection method: clinical testing. Allele origin: germline.
Comment: The TTN c.13853A>G variant is predicted to result in the amino acid substitution p.Glu4618Gly. To our knowledge, this variant has not been reported in the literature. This variant is reported in 0.00089% of alleles in individuals of European (Non-Finnish) descent in gnomAD. At this time, the clinical significance of this variant is uncertain due to the absence of conclusive functional and genetic evidence.

CeGaT Center for Human Genetics Tuebingen
Classification: Likely benign. Last evaluated: 2023-11-01. Review status: criteria provided, single submitter. Criteria: CeGaT Center For Human Genetics Tuebingen Variant Classification Criteria Version 2. Collection method: clinical testing. Allele origin: germline. Affected: yes. Observed: 1 variant allele.
Comment: TTN: BP4